The following is an entry in ClinVar:

NM_001329998.2(TRANK1):c.2607C>T (p.Gly869=)

Gene: TRANK1 (tetratricopeptide repeat and ankyrin repeat containing 1; minus strand). Cytogenetic location: 3p22.2.
Variant type: single nucleotide variant.
Coding change: c.2607C>T on transcript NM_001329998.2 (MANE Select); coding-DNA position 2607, C replaced by T.
Protein change: p.Gly869=; no amino-acid change (glycine 869 retained).
Molecular consequence: synonymous variant.
Genome position (GRCh38, 1-based): chr3:36,857,115, G>A on the plus strand (C>T on the coding strand, the complement: TRANK1 is on the minus strand). VCF-style: chr3-36857115-G-A. GRCh37 (hg19) VCF-style: chr3-36898606-G-A.
Other names: c.2475C>T, p.Gly825= (NM_014831.3).
Identifiers: ClinVar variation 4280736 (VCV004280736.7).

ClinVar aggregate classification (germline): Likely benign (1 of 4 stars; one submission).

gnomAD v4.1: 1,067 of 1,613,946 alleles (0.066%); highest among the groups gnomAD compares: Admixed American, 1.2%; 9 homozygotes.

Submission:

CeGaT Center for Human Genetics Tuebingen
Classification: Likely benign. Last evaluated: 2025-09-01. Review status: criteria provided, single submitter. Criteria: CeGaT Center For Human Genetics Tuebingen Variant Classification Criteria Version 2. Collection method: clinical testing. Allele origin: germline. Affected: yes. Observed: 1 variant allele.
Comment: TRANK1: BP4, BP7, BS1